The following is an entry in ClinVar:

NM_000083.3(CLCN1):c.568G>A (p.Gly190Arg)

Gene: CLCN1 (chloride voltage-gated channel 1; plus strand). Cytogenetic location: 7q34.
Variant type: single nucleotide variant.
Coding change: c.568G>A on transcript NM_000083.3 (MANE Select); coding-DNA position 568, G replaced by A.
Protein change: p.Gly190Arg; replaces glycine 190 with arginine.
Molecular consequence: missense variant. On other transcripts: non-coding transcript variant (1).
Genome position (GRCh38, 1-based): chr7:143,321,720, G>A. VCF-style: chr7-143321720-G-A. GRCh37 (hg19) VCF-style: chr7-143018813-G-A.
Other names: p.Gly190Arg; short protein forms G190R.
Identifiers: ClinVar variation 289004 (VCV000289004.67), dbSNP rs369773321, ClinGen allele CA4537004.

ClinVar aggregate classification (germline): Conflicting classifications of pathogenicity. Review status: criteria provided, conflicting classifications (1 of 4 stars). 11 submissions from 11 submitters: Pathogenic (6); Likely pathogenic (3); Uncertain significance (2). Last evaluated 2026-08-21.

Conditions:
Skeletal muscle channelopathy.
CLCN1-related disorder. Also called: CLCN1-related condition.
Congenital myotonia, autosomal dominant form (THD). Also called: THOMSEN DISEASE; Myotonia congenita autosomal dominant. Identifiers: Orphanet 614, MedGen C2936781, MONDO:0008055, OMIM 160800.
Congenital myotonia, autosomal recessive form. Also called: myotonia congenita, autosomal recessive; BECKER DISEASE; Becker Generalized Myotonia. Identifiers: Orphanet 614, MedGen C0751360, MONDO:0009715, OMIM 255700.

Allele frequency attached by ClinVar (database versions not stated): ESP Exome Variant Server 0.00008.
gnomAD v4.1: 54 of 1,614,102 alleles (0.0033%); highest among the groups gnomAD compares: Non-Finnish European, 0.0045%; no homozygotes.

Submissions (11):

Genetics Laboratory, Great Ormond Street Hospital NHS Foundation Trust, North Thames Genomic Laboratory Hub
Classification: Pathogenic for Skeletal muscle channelopathy. Last evaluated: 2026-08-21. Review status: criteria provided, single submitter. Criteria: ACGS Best Practice Guidelines for Variant Classification in Rare Disease 2024 v1.2. Collection method: clinical testing. Allele origin: germline. Affected: yes.
Comment: PM2_moderate, PP3_supporting, PS3_strong, PM1_moderate, PM3_strong

Labcorp Genetics (formerly Invitae), Labcorp
Classification: Pathogenic for Congenital myotonia, autosomal recessive form; Congenital myotonia, autosomal dominant form. Last evaluated: 2025-11-01. Review status: criteria provided, single submitter. Criteria: Invitae Variant Classification Sherloc (09022015). Collection method: clinical testing. Allele origin: germline.
Comment: This sequence change replaces glycine, which is neutral and non-polar, with arginine, which is basic and polar, at codon 190 of the CLCN1 protein (p.Gly190Arg). This variant is present in population databases (rs369773321, gnomAD 0.004%). This missense change has been observed in individuals with autosomal recessive myotonia congenita (PMID: 23810313, 24037712, 24349310). ClinVar contains an entry for this variant (Variation ID: 289004). Invitae Evidence Modeling of protein sequence and biophysical properties (such as structural, functional, and spatial information, amino acid conservation, physicochemical variation, residue mobility, and thermodynamic stability) indicates that this missense variant is expected to disrupt CLCN1 protein function with a positive predictive value of 95%. This variant disrupts the p.Gly190 amino acid residue in CLCN1. Other variant(s) that disrupt this residue have been determined to be pathogenic (PMID: 19697366, 22921319, 23933576). This suggests that this residue is clinically significant, and that variants that disrupt this residue are likely to be disease-causing. For these reasons, this variant has been classified as Pathogenic.

Institute of Human Genetics, University of Leipzig Medical Center
Classification: Uncertain significance for Congenital myotonia, autosomal dominant form. Last evaluated: 2025-02-03. Review status: criteria provided, single submitter. Criteria: ACMG Guidelines, 2015. Collection method: clinical testing. Allele origin: unknown. Inheritance: Autosomal dominant inheritance. Affected: yes.
Comment: Criteria applied: PM5_SUP,PM1,PS4_SUP,PP3

GeneDx
Classification: Pathogenic. Last evaluated: 2024-11-04. Review status: criteria provided, single submitter. Criteria: GeneDx Variant Classification Process June 2021. Collection method: clinical testing. Allele origin: germline. Affected: yes.
Comment: Not observed at significant frequency in large population cohorts (gnomAD); In silico analysis supports that this missense variant has a deleterious effect on protein structure/function; This variant is associated with the following publications: (PMID: 24037712, 24349310, 29606556, 23810313, 32670189, 22987687, 33263785, 34529042, 36796140)

Mayo Clinic Laboratories, Mayo Clinic
Classification: Pathogenic. Last evaluated: 2024-09-03. Review status: criteria provided, single submitter. Criteria: ACMG Guidelines, 2015. Collection method: clinical testing. Allele origin: germline. Observed: 1 variant allele.
Comment: PP3, PM2, PM3_very_strong, PM5, PS4_moderate

Fulgent Genetics
Classification: Likely pathogenic for Congenital myotonia, autosomal dominant form; Congenital myotonia, autosomal recessive form. Last evaluated: 2024-04-09. Review status: criteria provided, single submitter. Criteria: ACMG Guidelines, 2015. Collection method: clinical testing. Allele origin: germline.

Blueprint Genetics
Classification: Pathogenic for CLCN1-related disorders. Last evaluated: 2021-05-25. Review status: criteria provided, single submitter. Criteria: ACMG Guidelines, 2015. Collection method: clinical testing. Allele origin: germline. Affected: yes. Observed: 2 variant alleles.

Revvity Omics, Revvity
Classification: Likely pathogenic. Last evaluated: 2020-05-28. Review status: criteria provided, single submitter. Criteria: ACMG Guidelines, 2015. Collection method: clinical testing. Allele origin: germline.

Athena Diagnostics
Classification: Likely pathogenic. Last evaluated: 2019-09-23. Review status: criteria provided, single submitter. Criteria: Athena Diagnostics Criteria. Collection method: clinical testing. Allele origin: unknown.
Comment: The frequency of this variant in the general population is consistent with pathogenicity. Found in at least one patient with expected phenotype for this gene. Predicted to have a damaging effect on the protein. Located in potentially critical domain of the protein. One other pathogenic or likely pathogenic variant affects the same amino acid. In multiple individuals, this variant has been seen with a single recessive pathogenic variant in the same gene, suggesting this variant may also be pathogenic.

CeGaT Center for Human Genetics Tuebingen
Classification: Pathogenic. Last evaluated: 2019-04-01. Review status: criteria provided, single submitter. Criteria: CeGaT Center For Human Genetics Tuebingen Variant Classification Criteria Version 2. Collection method: clinical testing. Allele origin: germline. Affected: yes. Observed: 1 variant allele.

Eurofins Ntd Llc (ga)
Classification: Uncertain significance. Last evaluated: 2016-06-27. Review status: criteria provided, single submitter. Criteria: EGL Classification Definitions 2015. Collection method: clinical testing. Allele origin: germline. Observed: 2 variant alleles, 2 heterozygotes.

Literature cited by the submitters: PubMed 23810313 (cited by 3 submitters); PubMed 24037712 (cited by 3 submitters); PubMed 24349310 (cited by 3 submitters); PubMed 19697366 (cited by Labcorp Genetics (formerly Invitae), Labcorp and Mayo Clinic Laboratories, Mayo Clinic); PubMed 22921319 (cited by Labcorp Genetics (formerly Invitae), Labcorp); PubMed 23933576 (cited by Labcorp Genetics (formerly Invitae), Labcorp); PubMed 21387378 (cited by Mayo Clinic Laboratories, Mayo Clinic); PubMed 23739125 (cited by Mayo Clinic Laboratories, Mayo Clinic); PubMed 29606556 (cited by Mayo Clinic Laboratories, Mayo Clinic and Athena Diagnostics); PubMed 31544778 (cited by Mayo Clinic Laboratories, Mayo Clinic); PubMed 32670189 (cited by Mayo Clinic Laboratories, Mayo Clinic); PubMed 33263785 (cited by Mayo Clinic Laboratories, Mayo Clinic); PubMed 34529042 (cited by Mayo Clinic Laboratories, Mayo Clinic); PubMed 36796140 (cited by Mayo Clinic Laboratories, Mayo Clinic); PubMed 22987687 (cited by Athena Diagnostics).